The following is an entry in ClinVar:

NM_001127511.3(APC):c.166-28960A>T

Gene: APC (APC regulator of Wnt signaling pathway; plus strand). Cytogenetic location: 5q22.2.
Variant type: single nucleotide variant.
Coding change: c.166-28960A>T on transcript NM_001127511.3; 28960 bases into the intron before coding-DNA position 166, A replaced by T.
Molecular consequence: intron variant.
Genome position (GRCh38, 1-based): chr5:112,737,366, A>T. VCF-style: chr5-112737366-A-T. GRCh37 (hg19) VCF-style: chr5-112073063-A-T.
Other names: c.-1053-17507A>T (NM_001407470.1, NM_001407472.1); c.-18-17507A>T (NM_001407447.1, NM_001354895.2, NM_001407456.1 and 7 more transcripts); c.166-28960A>T (NM_001407446.1, NM_001354897.2, NM_001354902.2); c.-42-28960A>T (NM_001407453.1).
Identifiers: ClinVar variation 82730 (VCV000082730.4), dbSNP rs77383524, ClinGen allele CA023903.

ClinVar aggregate classification (germline): other (0 of 4 stars; one submission).

Conditions:
Familial colorectal cancer. Identifiers: MedGen CN280943, MONDO:0023113. Disease mechanism: loss of function.

Submission:

Systems Biology Platform Zhejiang California International NanoSystems Institute
Classification: other for Familial colorectal cancer. Review status: no assertion criteria provided. Collection method: not provided. Allele origin: unknown.
ClinVar note: Converted during submission from cancer to other.